The following is an entry in ClinVar:

NM_000090.4(COL3A1):c.1489A>G (p.Asn497Asp)

Gene: COL3A1 (collagen type III alpha 1 chain; plus strand). Cytogenetic location: 2q32.2.
Variant type: single nucleotide variant.
Coding change: c.1489A>G on transcript NM_000090.4 (MANE Select); coding-DNA position 1489, A replaced by G.
Protein change: p.Asn497Asp; replaces asparagine 497 with aspartic acid.
Molecular consequence: missense variant.
Genome position (GRCh38, 1-based): chr2:188,995,079, A>G. VCF-style: chr2-188995079-A-G. GRCh37 (hg19) VCF-style: chr2-189859805-A-G.
Other names: short protein forms N497D.
Identifiers: ClinVar variation 3070513 (VCV003070513.1), dbSNP rs2469131367, ClinGen allele CA349852029.

ClinVar aggregate classification (germline): Uncertain significance (1 of 4 stars; one submission).

Conditions:
Ehlers-Danlos syndrome, type 4 (EDSVASC). Also called: Ehlers-Danlos Syndrome Type IV; Ehlers-Danlos syndrome vascular type; Ehlers Danlos syndrome, ecchymotic type; Ehlers Danlos syndrome, arterial type; Ehlers Danlos syndrome, Sack-Barabas type. Identifiers: Orphanet 286, MedGen C0268338, MONDO:0017314, OMIM 130050.

Allele frequency attached by ClinVar (database versions not stated): gnomAD exomes below 0.00001.
gnomAD v4.1: 1 of 1,614,220 alleles (0.000062%); highest among the groups gnomAD compares: Non-Finnish European, 0.000085%; no homozygotes.

Submission:

All of Us Research Program, National Institutes of Health
Classification: Uncertain significance for Ehlers-Danlos syndrome, type 4. Last evaluated: 2023-04-27. Review status: criteria provided, single submitter. Criteria: ACMG Guidelines, 2015. Collection method: clinical testing. Allele origin: germline. Inheritance: Autosomal dominant inheritance. Observed: 1 variant allele, 1 heterozygote.
Comment: This study involves interpretation of variants in research participants for the purpose of population health screening. Participant phenotype was not available at the time of variant classification. Additional details can be found in publication PMID: 35346344, PMCID: PMC8962531